The following is an entry in ClinVar:

NM_020771.4(HACE1):c.1864+614A>G

Gene: HACE1 (HECT domain and ankyrin repeat containing E3 ubiquitin protein ligase 1; minus strand). Cytogenetic location: 6q16.3.
Variant type: single nucleotide variant.
Coding change: c.1864+614A>G on transcript NM_020771.4 (MANE Select); 614 bases into the intron after coding-DNA position 1864, A replaced by G.
Molecular consequence: intron variant.
Genome position (GRCh38, 1-based): chr6:104,776,127, T>C on the plus strand (A>G on the coding strand, the complement: HACE1 is on the minus strand). VCF-style: chr6-104776127-T-C. GRCh37 (hg19) VCF-style: chr6-105224002-T-C.
Other names: c.1573+614A>G (NM_001350555.2); c.1081+614A>G (NM_001350560.2); c.1360+614A>G (NM_001350557.2, NM_001350558.2, NM_001321084.2); c.1378+614A>G (NM_001350556.2); c.1282+614A>G (NM_001350559.2); c.1732+614A>G (NM_001321080.2); c.1630+614A>G (NM_001350554.2); c.1762+614A>G (NM_001321083.2).
Identifiers: ClinVar variation 4854469 (VCV004854469.1).

ClinVar aggregate classification (germline): Uncertain significance (1 of 4 stars; one submission).

Conditions:
Spastic paraplegia-severe developmental delay-epilepsy syndrome. Also called: Spastic paraplegia and psychomotor retardation with or without seizures. Identifiers: Orphanet 464282, MedGen C4225215, MONDO:0014764, OMIM 616756.

Submission:

3billion
Classification: Uncertain significance for Spastic paraplegia-severe developmental delay-epilepsy syndrome. Last evaluated: 2026-01-16. Review status: criteria provided, single submitter. Criteria: ACMG Guidelines, 2015. Collection method: clinical testing. Allele origin: germline. Affected: yes.
Comment: The variant is not observed in the gnomAD v4.1.0 dataset. Predicted Consequence/Location: Intron variant In silico tools predict the variant to alter splicing and produce an abnormal transcript [SpliceAI: 0.95 (>=0.2, moderate evidence for spliceogenicity)]. Therefore, this variant is classified as VUS according to the recommendation of ACMG/AMP guideline.